The following is an entry in ClinVar:

NM_032383.5(HPS3):c.2151dup (p.Gln718fs)

Gene: HPS3 (HPS3 biogenesis of lysosomal organelles complex 2 subunit 1; plus strand). Cytogenetic location: 3q24.
Variant type: Duplication.
Coding change: c.2151dup on transcript NM_032383.5 (MANE Select); coding-DNA position 2151, one base duplicated (T; older notation c.2151dupT).
Protein change: p.Gln718fs; shifts the reading frame from glutamine 718.
Molecular consequence: frameshift variant.
Genome position (GRCh38, 1-based): chr3:149,162,192, T duplicated; the last of 2 consecutive T bases (chr3:149,162,191-149,162,192); duplicating either gives the same sequence. VCF-style (leftmost placement, unchanged base first): chr3-149162190-A-AT. GRCh37 (hg19) VCF-style: chr3-148879977-A-AT.
Other names: c.1656dup, p.Gln553fs (NM_001308258.2); short protein forms Q553fs, Q718fs.
Identifiers: ClinVar variation 5016338 (VCV005016338.1).

ClinVar aggregate classification (germline): Pathogenic (1 of 4 stars; one submission).

Conditions:
Hermansky-Pudlak syndrome 3 (HPS3). Identifiers: Orphanet 231512, Orphanet 79430, MedGen C3888001, MONDO:0013555, OMIM 614072.

Submission:

Myriad Genetics, Inc.
Classification: Pathogenic for Hermansky-Pudlak syndrome 3. Last evaluated: 2024-05-14. Review status: criteria provided, single submitter. Criteria: Myriad Autosomal Dominant, Autosomal Recessive and X-Linked Classification Criteria (2023). Collection method: clinical testing. Allele origin: unknown.
Comment: NM_032383.3(HPS3):c.2151dupT(Q718Sfs*40) is expected to be pathogenic in the context of Hermansky-Pudlak syndrome, HPS3-related. This variant is predicted to lead to an abnormal or absent protein product due to the creation of a premature termination codon in HPS3, a gene where loss-of-function variants are known to be pathogenic. Please note: this variant was assessed in the context of healthy population screening.